The following is an entry in ClinVar:

NM_004006.3(DMD):c.1216C>G (p.Leu406Val)

Gene: DMD (dystrophin; minus strand). Cytogenetic location: Xp21.1.
Variant type: single nucleotide variant.
Coding change: c.1216C>G on transcript NM_004006.3 (MANE Select); coding-DNA position 1216, C replaced by G.
Protein change: p.Leu406Val; replaces leucine 406 with valine.
Molecular consequence: missense variant.
Genome position (GRCh38, 1-based): chrX:32,644,247, G>C on the plus strand (C>G on the coding strand, the complement: DMD is on the minus strand). VCF-style: chrX-32644247-G-C. GRCh37 (hg19) VCF-style: chrX-32662364-G-C.
Other names: c.1192C>G, p.Leu398Val (NM_000109.4); c.1204C>G, p.Leu402Val (NM_004009.3); c.847C>G, p.Leu283Val (NM_004010.3); short protein forms L406V, L283V, L402V, L398V.
Identifiers: ClinVar variation 572898 (VCV000572898.11), dbSNP rs1569374104, ClinGen allele CA412661236.

ClinVar aggregate classification (germline): Uncertain significance (1 of 4 stars; one submission).

Conditions:
Duchenne muscular dystrophy (DMD). Also called: Duchenne Muscular Dystrophy (DMD); MUSCULAR DYSTROPHY, PSEUDOHYPERTROPHIC PROGRESSIVE, DUCHENNE TYPE. Identifiers: Orphanet 98896, MedGen C0013264, MONDO:0010679, OMIM 310200.

Allele frequency attached by ClinVar (database versions not stated): gnomAD exomes below 0.00001.
gnomAD v4.1: 3 of 1,210,795 alleles (0.00025%); highest among the groups gnomAD compares: Non-Finnish European, 0.00034%; no homozygotes.

Submission:

Labcorp Genetics (formerly Invitae), Labcorp
Classification: Uncertain significance for Duchenne muscular dystrophy. Last evaluated: 2024-10-15. Review status: criteria provided, single submitter. Criteria: Invitae Variant Classification Sherloc (09022015). Collection method: clinical testing. Allele origin: germline.
Comment: This sequence change replaces leucine, which is neutral and non-polar, with valine, which is neutral and non-polar, at codon 406 of the DMD protein (p.Leu406Val). This variant is not present in population databases (gnomAD no frequency). This variant has not been reported in the literature in individuals affected with DMD-related conditions. ClinVar contains an entry for this variant (Variation ID: 572898). Invitae Evidence Modeling of protein sequence and biophysical properties (such as structural, functional, and spatial information, amino acid conservation, physicochemical variation, residue mobility, and thermodynamic stability) indicates that this missense variant is not expected to disrupt DMD protein function with a negative predictive value of 95%. In summary, the available evidence is currently insufficient to determine the role of this variant in disease. Therefore, it has been classified as a Variant of Uncertain Significance.